The following is an entry in ClinVar:

NM_030962.4(SBF2):c.2828G>A (p.Arg943Gln)

Genes: SBF2 (SET binding factor 2; minus strand), LOC101928008 (uncharacterized LOC101928008; plus strand). Cytogenetic location: 11p15.4.
Variant type: single nucleotide variant.
Coding change: c.2828G>A on transcript NM_030962.4 (MANE Select); coding-DNA position 2828, G replaced by A.
Protein change: p.Arg943Gln; replaces arginine 943 with glutamine.
Molecular consequence: missense variant.
Genome position (GRCh38, 1-based): chr11:9,847,062, C>T on the plus strand (G>A on the coding strand, the complement: SBF2 is on the minus strand). VCF-style: chr11-9847062-C-T. GRCh37 (hg19) VCF-style: chr11-9868609-C-T.
Other names: c.2828G>A, p.Arg943Gln (NM_001386339.1); c.2699G>A, p.Arg900Gln (NM_001386342.1); short protein forms R943Q, R900Q.
Identifiers: ClinVar variation 543391 (VCV000543391.9), dbSNP rs753298285, ClinGen allele CA5881433.

ClinVar aggregate classification (germline): Uncertain significance. Review status: criteria provided, multiple submitters, no conflicts (2 of 4 stars). 2 submissions from 2 submitters: Uncertain significance (2). Last evaluated 2025-09-01.

Conditions:
Charcot-Marie-Tooth disease type 4. Also called: Charcot-Marie-Tooth disease, type IV; Charcot-Marie-Tooth, Type 4. Identifiers: Orphanet 64749, MedGen C4082197, MONDO:0018995.
Inborn genetic diseases. Identifiers: MedGen C0950123, MeSH D030342.

Allele frequency attached by ClinVar (database versions not stated): TOPMed below 0.00001; gnomAD exomes 0.00002 and 0.00004; ExAC 0.00003.
gnomAD v4.1: 60 of 1,613,740 alleles (0.0037%); highest among the groups gnomAD compares: Non-Finnish European, 0.0049%; no homozygotes.

Submissions (2):

Ambry Genetics
Classification: Uncertain significance for Inborn genetic diseases. Last evaluated: 2025-09-01. Review status: criteria provided, single submitter. Criteria: Ambry Variant Classification Scheme 2023. Collection method: clinical testing. Allele origin: germline.

Labcorp Genetics (formerly Invitae), Labcorp
Classification: Uncertain significance for Charcot-Marie-Tooth disease type 4. Last evaluated: 2021-08-30. Review status: criteria provided, single submitter. Criteria: Invitae Variant Classification Sherloc (09022015). Collection method: clinical testing. Allele origin: germline.
Comment: This sequence change replaces arginine with glutamine at codon 943 of the SBF2 protein (p.Arg943Gln). The arginine residue is highly conserved and there is a small physicochemical difference between arginine and glutamine. This variant is present in population databases (rs753298285, ExAC 0.006%). This variant has not been reported in the literature in individuals affected with SBF2-related conditions. Algorithms developed to predict the effect of missense changes on protein structure and function are either unavailable or do not agree on the potential impact of this missense change (SIFT: "Tolerated"; PolyPhen-2: "Probably Damaging"; Align-GVGD: "Class C0"). In summary, the available evidence is currently insufficient to determine the role of this variant in disease. Therefore, it has been classified as a Variant of Uncertain Significance.